The following is an entry in ClinVar:

NM_004577.4(PSPH):c.140+7A>G

Gene: PSPH (phosphoserine phosphatase; minus strand). Cytogenetic location: 7p11.2.
Variant type: single nucleotide variant.
Coding change: c.140+7A>G on transcript NM_004577.4 (MANE Select); 7 bases into the intron after coding-DNA position 140, A replaced by G.
Molecular consequence: intron variant.
Genome position (GRCh38, 1-based): chr7:56,021,066, T>C on the plus strand (A>G on the coding strand, the complement: PSPH is on the minus strand). VCF-style: chr7-56021066-T-C. GRCh37 (hg19) VCF-style: chr7-56088759-T-C.
Other names: c.140+7A>G (NM_001370513.1, NM_001370514.1, NM_001370509.1 and 17 more transcripts).
Identifiers: ClinVar variation 3043010 (VCV003043010.2), dbSNP rs767359030, ClinGen allele CA4268801.
Genomic context (GRCh38, chr7:56,021,066, plus strand): 5'-TCATCCAAAACAGTCACTCTTTAGAAAGTCTTTATCATTTCATAAAGTGAATAAATGCTA[T>C]CCCTACATTTCTGACACCGCGTCCTCAACGCCACAGATTTTGGCTAGCTCATCGATTCCT-3'

ClinVar aggregate classification (germline): Likely benign (0 of 4 stars; one submission).

Conditions:
PSPH-related disorder. Also called: PSPH-related condition.

Allele frequency attached by ClinVar (database versions not stated): ExAC 0.00002.
gnomAD v4.1: 10 of 1,611,288 alleles (0.00062%); highest among the groups gnomAD compares: Admixed American, 0.017%; no homozygotes.

Submission:

PreventionGenetics, part of Exact Sciences
Classification: Likely benign for PSPH-related condition. Last evaluated: 2019-07-02. Review status: no assertion criteria provided. Collection method: clinical testing. Allele origin: germline.
Comment: This variant is classified as likely benign based on ACMG/AMP sequence variant interpretation guidelines (Richards et al. 2015 PMID: 25741868, with internal and published modifications).